The following is an entry in ClinVar:

ClinVar aggregate classification (germline): Pathogenic (1 of 4 stars; one submission).

Conditions:
Familial intrahepatic cholestasis. Identifiers: Orphanet 284385, MedGen CN296401, MONDO:0017290.

Submission:

Genomenon, Inc
Classification: Pathogenic for Familial intrahepatic cholestasis. Last evaluated: 2026-04-14. Review status: criteria provided, single submitter. Criteria: Genomenon Sequence Variant Interpretation Standards - Updated. Collection method: curation. Allele origin: germline. Affected: yes.
Comment: ATP8B1 c.3401-2A>G is a canonical splice variant affecting the acceptor splice site of intron 26. It is predicted to affect mRNA splicing, leading to a deleterious effect on the ATP8B1 protein. This variant has been observed in at least one proband with features of ATP8B1-deficiency (PMID:26382629). It is absent or not present at a significant frequency in gnomAD. In conclusion, we classify ATP8B1 c.3401-2A>G as a pathogenic variant.

Literature cited by the submitters: PubMed 26382629.

NM_001374385.1(ATP8B1):c.3401-2A>G

Genes: ATP8B1 (ATPase phospholipid transporting 8B1; minus strand), ATP8B1-AS1 (ATP8B1 antisense RNA 1; plus strand). Cytogenetic location: 18q21.31.
Variant type: single nucleotide variant.
Coding change: c.3401-2A>G on transcript NM_001374385.1 (MANE Select); the canonical splice acceptor site of the intron before coding-DNA position 3401, A replaced by G.
Molecular consequence: splice acceptor variant.
Genome position (GRCh38, 1-based): chr18:57,650,499, T>C on the plus strand (A>G on the coding strand, the complement: ATP8B1 is on the minus strand). VCF-style: chr18-57650499-T-C. GRCh37 (hg19) VCF-style: chr18-55317731-T-C.
Other names: c.3401-2A>G (NM_005603.6); c.3251-2A>G (NM_001374386.1).
Identifiers: ClinVar variation 4846433 (VCV004846433.1).